The following is an entry in ClinVar:

NM_015602.4(TOR1AIP1):c.349C>T (p.Gln117Ter)

Genes: TOR1AIP1 (torsin 1A interacting protein 1; plus strand), LOC112577517 (Sharpr-MPRA regulatory region 13766; plus strand). Cytogenetic location: 1q25.2.
Variant type: single nucleotide variant.
Coding change: c.349C>T on transcript NM_015602.4 (MANE Select); coding-DNA position 349, C replaced by T.
Protein change: p.Gln117Ter; replaces glutamine 117 with a stop codon.
Molecular consequence: nonsense.
Genome position (GRCh38, 1-based): chr1:179,882,851, C>T. VCF-style: chr1-179882851-C-T. GRCh37 (hg19) VCF-style: chr1-179851986-C-T.
Other names: c.349C>T, p.Gln117Ter (NM_001267578.2); short protein forms Q117*.
Identifiers: ClinVar variation 1386750 (VCV001386750.6), dbSNP rs2148468818, ClinGen allele CA343578120.

ClinVar aggregate classification (germline): Pathogenic (1 of 4 stars; one submission).

Conditions:
Autosomal recessive limb-girdle muscular dystrophy type 2Y (MRRSDC). Also called: Muscular dystrophy, autosomal recessive, with rigid spine and distal joint contractures; Muscular dystrophy, limb-girdle, type 2y. Identifiers: Orphanet 424261, MedGen C4511482, MONDO:0014900, OMIM 617072.

gnomAD v4.1: 1 of 1,614,218 alleles (0.000062%); highest among the groups gnomAD compares: East Asian, 0.0022%; no homozygotes.

Submission:

Labcorp Genetics (formerly Invitae), Labcorp
Classification: Pathogenic for Autosomal recessive limb-girdle muscular dystrophy type 2Y. Last evaluated: 2022-06-13. Review status: criteria provided, single submitter. Criteria: Invitae Variant Classification Sherloc (09022015). Collection method: clinical testing. Allele origin: germline.
Comment: This sequence change creates a premature translational stop signal (p.Gln117*) in the TOR1AIP1 gene. It is expected to result in an absent or disrupted protein product. Loss-of-function variants in TOR1AIP1 are known to be pathogenic (PMID: 24856141, 27342937). For these reasons, this variant has been classified as Pathogenic. This variant has not been reported in the literature in individuals affected with TOR1AIP1-related conditions. This variant is not present in population databases (gnomAD no frequency).

Literature cited by the submitters: PubMed 24856141; PubMed 27342937.